The following is an entry in ClinVar:

NC_000023.10:g.(?_41193506)_(41646556_?)dup

Genes: NYX (nyctalopin; plus strand), GPR82 (G protein-coupled receptor 82; plus strand), CASK (calcium/calmodulin dependent serine protein kinase; minus strand), DDX3X (DEAD-box helicase 3 X-linked; plus strand), GPR34 (G protein-coupled receptor 34; plus strand). Cytogenetic location: Xp11.4.
Variant type: Duplication.
Identifiers: ClinVar variation 3245362 (VCV003245362.1).

ClinVar aggregate classification (germline): Uncertain significance (1 of 4 stars; one submission).

Conditions:
Intellectual disability, CASK-related, X-linked. Identifiers: MedGen CN043158.

Submission:

Labcorp Genetics (formerly Invitae), Labcorp
Classification: Uncertain significance for Intellectual disability, CASK-related, X-linked. Last evaluated: 2022-11-17. Review status: criteria provided, single submitter. Criteria: Invitae Variant Classification Sherloc (09022015). Collection method: clinical testing. Allele origin: unknown.
Comment: In summary, the available evidence is currently insufficient to determine the role of this variant in disease. Therefore, it has been classified as a Variant of Uncertain Significance. This variant has not been reported in the literature in individuals affected with CASK-related conditions. This variant results in a copy number gain of the genomic region encompassing exon(s) 3-27 of the CASK gene. This region includes the termination codon of the gene. This copy number gain extends beyond the assayed region for this gene and therefore may encompass additional genes. As the precise location of this event is unknown, it may be in tandem or it may be located elsewhere in the genome.